The following is an entry in ClinVar:

NM_000466.3(PEX1):c.1646C>G (p.Pro549Arg)

Gene: PEX1 (peroxisomal biogenesis factor 1; minus strand). Cytogenetic location: 7q21.2.
Variant type: single nucleotide variant.
Coding change: c.1646C>G on transcript NM_000466.3 (MANE Select); coding-DNA position 1646, C replaced by G.
Protein change: p.Pro549Arg; replaces proline 549 with arginine.
Molecular consequence: missense variant.
Genome position (GRCh38, 1-based): chr7:92,509,353, G>C on the plus strand (C>G on the coding strand, the complement: PEX1 is on the minus strand). VCF-style: chr7-92509353-G-C. GRCh37 (hg19) VCF-style: chr7-92138667-G-C.
Other names: c.1646C>G, p.Pro549Arg (NM_001282677.2); c.1022C>G, p.Pro341Arg (NM_001282678.2); short protein forms P341R, P549R.
Identifiers: ClinVar variation 1022807 (VCV001022807.10), dbSNP rs751131750, ClinGen allele CA4341347.
Genomic context (GRCh38, chr7:92,509,353, plus strand): 5'-CATGTCTAACATGCTAGTTTGGCCATAACTTCTTACCCCAAAGAGCTCAGCTTTAAAAAA[G>C]GAAGAATAAAGTCAATTTCCTCACTGTTTTCTTCTTTTACCATAGGATCTAGAAGGACCT-3'
Protein context (NP_000457.1, residues 539-559): ENSEEIDFIL[Pro549Arg]FLKLSSLGGV

ClinVar aggregate classification (germline): Uncertain significance. Review status: criteria provided, single submitter (1 of 4 stars). 2 submissions from 2 submitters: Uncertain significance (1). 1 of the submissions does not count toward it. Last evaluated 2022-02-23.

Conditions:
Zellweger spectrum disorders (ZS). Also called: Zellweger Spectrum Disorder; Zellweger Spectrum; Zellweger syndrome; Zellweger Spectrum Disorder (ZSD). Identifiers: Orphanet 912, MedGen C0043459, MONDO:0019609.

Allele frequency attached by ClinVar (database versions not stated): gnomAD exomes below 0.00001; ExAC 0.00001.

Submissions (2):

Labcorp Genetics (formerly Invitae), Labcorp
Classification: Uncertain significance for Zellweger spectrum disorders. Last evaluated: 2022-02-23. Review status: criteria provided, single submitter. Criteria: Invitae Variant Classification Sherloc (09022015). Collection method: clinical testing. Allele origin: germline.
Comment: This sequence change replaces proline, which is neutral and non-polar, with arginine, which is basic and polar, at codon 549 of the PEX1 protein (p.Pro549Arg). This variant is present in population databases (rs751131750, gnomAD 0.003%). This variant has not been reported in the literature in individuals affected with PEX1-related conditions. ClinVar contains an entry for this variant (Variation ID: 1022807). Advanced modeling of protein sequence and biophysical properties (such as structural, functional, and spatial information, amino acid conservation, physicochemical variation, residue mobility, and thermodynamic stability) performed at Invitae indicates that this missense variant is expected to disrupt PEX1 protein function. Algorithms developed to predict the effect of sequence changes on RNA splicing suggest that this variant may create or strengthen a splice site. In summary, the available evidence is currently insufficient to determine the role of this variant in disease. Therefore, it has been classified as a Variant of Uncertain Significance.

Natera, Inc.
Classification: Uncertain significance for Zellweger syndrome. Last evaluated: 2019-06-10. Review status: no assertion criteria provided. Collection method: clinical testing. Allele origin: germline. Not counted in ClinVar's aggregate classification.